The following is an entry in ClinVar:

NM_015602.4(TOR1AIP1):c.1705C>A (p.Leu569Met)

Gene: TOR1AIP1 (torsin 1A interacting protein 1; plus strand). Cytogenetic location: 1q25.2.
Variant type: single nucleotide variant.
Coding change: c.1705C>A on transcript NM_015602.4 (MANE Select); coding-DNA position 1705, C replaced by A.
Protein change: p.Leu569Met; replaces leucine 569 with methionine.
Molecular consequence: missense variant.
Genome position (GRCh38, 1-based): chr1:179,918,192, C>A. VCF-style: chr1-179918192-C-A. GRCh37 (hg19) VCF-style: chr1-179887327-C-A.
Other names: c.1708C>A, p.Leu570Met (NM_001267578.2); short protein forms L569M, L570M.
Identifiers: ClinVar variation 1396024 (VCV001396024.6), dbSNP rs2148484421, ClinGen allele CA343576818.

ClinVar aggregate classification (germline): Uncertain significance (1 of 4 stars; one submission).

Conditions:
Autosomal recessive limb-girdle muscular dystrophy type 2Y (MRRSDC). Also called: Muscular dystrophy, limb-girdle, type 2y; Muscular dystrophy, autosomal recessive, with rigid spine and distal joint contractures. Identifiers: Orphanet 424261, MedGen C4511482, MONDO:0014900, OMIM 617072.

Submission:

Labcorp Genetics (formerly Invitae), Labcorp
Classification: Uncertain significance for Autosomal recessive limb-girdle muscular dystrophy type 2Y. Last evaluated: 2021-09-03. Review status: criteria provided, single submitter. Criteria: Invitae Variant Classification Sherloc (09022015). Collection method: clinical testing. Allele origin: germline.
Comment: In summary, the available evidence is currently insufficient to determine the role of this variant in disease. Therefore, it has been classified as a Variant of Uncertain Significance. Algorithms developed to predict the effect of missense changes on protein structure and function are either unavailable or do not agree on the potential impact of this missense change (SIFT: "Deleterious"; PolyPhen-2: "Probably Damaging"; Align-GVGD: "Class C0"). This variant has not been reported in the literature in individuals affected with TOR1AIP1-related conditions. This variant is not present in population databases (ExAC no frequency). This sequence change replaces leucine with methionine at codon 570 of the TOR1AIP1 protein (p.Leu570Met). The leucine residue is highly conserved and there is a small physicochemical difference between leucine and methionine.